The following is an entry in ClinVar:

ClinVar aggregate classification (germline): Benign (0 of 4 stars; one submission).

Conditions:
MUC16-related disorder. Also called: MUC16-related condition.

Allele frequency attached by ClinVar (database versions not stated): 1000 Genomes Project 30x 0.03170.

Submission:

PreventionGenetics, part of Exact Sciences
Classification: Benign for MUC16-related condition. Last evaluated: 2019-02-19. Review status: no assertion criteria provided. Collection method: clinical testing. Allele origin: germline.
Comment: This variant is classified as benign based on ACMG/AMP sequence variant interpretation guidelines (Richards et al. 2015 PMID: 25741868, with internal and published modifications).

NM_001401501.2(MUC16):c.39162G>A (p.Gly13054=)

Gene: MUC16 (mucin 16, cell surface associated; minus strand). Cytogenetic location: 19p13.2.
Variant type: single nucleotide variant.
Coding change: c.39162G>A on transcript NM_001401501.2 (MANE Select); coding-DNA position 39162, G replaced by A.
Protein change: p.Gly13054=; no amino-acid change (glycine 13054 retained).
Molecular consequence: synonymous variant.
Genome position (GRCh38, 1-based): chr19:8,900,009, C>T on the plus strand (G>A on the coding strand, the complement: MUC16 is on the minus strand). VCF-style: chr19-8900009-C-T. GRCh37 (hg19) VCF-style: chr19-9010685-C-T.
Other names: c.39588G>A, p.Gly13196= (NM_001414686.1); c.39042G>A, p.Gly13014= (NM_001414687.1); c.38976G>A, p.Gly12992= (NM_024690.2).
Identifiers: ClinVar variation 3056624 (VCV003056624.2), dbSNP rs797020499, ClinGen allele CA305081419.